The following is an entry in ClinVar:

ClinVar aggregate classification (germline): Uncertain significance (1 of 4 stars; one submission).

Submission:

GeneDx
Classification: Uncertain significance. Last evaluated: 2024-12-09. Review status: criteria provided, single submitter. Criteria: GeneDx Variant Classification Process June 2021. Collection method: clinical testing. Allele origin: germline. Affected: yes.
Comment: Not observed at significant frequency in large population cohorts (gnomAD); In silico analysis supports that this missense variant has a deleterious effect on protein structure/function; Has not been previously published as pathogenic or benign to our knowledge

NM_014727.3(KMT2B):c.4304G>A (p.Cys1435Tyr)

Gene: KMT2B (lysine methyltransferase 2B; plus strand). Cytogenetic location: 19q13.12.
Variant type: single nucleotide variant.
Coding change: c.4304G>A on transcript NM_014727.3 (MANE Select); coding-DNA position 4304, G replaced by A.
Protein change: p.Cys1435Tyr; replaces cysteine 1435 with tyrosine.
Molecular consequence: missense variant.
Genome position (GRCh38, 1-based): chr19:35,727,699, G>A. VCF-style: chr19-35727699-G-A. GRCh37 (hg19) VCF-style: chr19-36218600-G-A.
Other names: short protein forms C1435Y.
Identifiers: ClinVar variation 3901341 (VCV003901341.1).